The following is an entry in ClinVar:

NM_001145073.3(USP27X):c.345G>A (p.Met115Ile)

Gene: USP27X (ubiquitin specific peptidase 27 X-linked; plus strand). Cytogenetic location: Xp11.23.
Variant type: single nucleotide variant.
Coding change: c.345G>A on transcript NM_001145073.3 (MANE Select); coding-DNA position 345, G replaced by A.
Protein change: p.Met115Ile; replaces methionine 115 with isoleucine.
Molecular consequence: missense variant.
Genome position (GRCh38, 1-based): chrX:49,880,652, G>A. VCF-style: chrX-49880652-G-A. GRCh37 (hg19) VCF-style: chrX-49645255-G-A.
Other names: short protein forms M115I.
Identifiers: ClinVar variation 3371632 (VCV003371632.1).

ClinVar aggregate classification (germline): Uncertain significance (1 of 4 stars; one submission).

Submission:

GeneDx
Classification: Uncertain significance. Last evaluated: 2024-03-28. Review status: criteria provided, single submitter. Criteria: GeneDx Variant Classification Process June 2021. Collection method: clinical testing. Allele origin: germline. Affected: yes.
Comment: Not observed at significant frequency in large population cohorts (gnomAD); In silico analysis supports that this missense variant has a deleterious effect on protein structure/function; Has not been previously published as pathogenic or benign to our knowledge